The following is an entry in ClinVar:

ClinVar aggregate classification (germline): Benign/Likely benign. Review status: criteria provided, multiple submitters, no conflicts (2 of 4 stars). 6 submissions from 4 submitters: Benign (2); Likely benign (4). Last evaluated 2026-01-08.

Conditions:
Obesity. Also called: Obesity disorder. Identifiers: Orphanet 71529, MedGen C0028754, MeSH D009765, MONDO:0011122, HP:0001513.
INSULIN RESISTANCE, DIGENIC. Identifiers: MedGen C4016738.
PPARG-related familial partial lipodystrophy. Also called: LIPODYSTROPHY, FAMILIAL PARTIAL, ASSOCIATED WITH PPARG MUTATIONS. Identifiers: Orphanet 79083, MedGen C1720861, MONDO:0011448, OMIM 604367.
CAROTID INTIMAL MEDIAL THICKNESS 1 (IMT1). Also called: INTIMAL MEDIAL THICKNESS OF INTERNAL CAROTID ARTERY. Identifiers: MedGen C1836302, OMIM 609338.
Type 2 diabetes mellitus. Also called: Type II diabetes mellitus. Identifiers: MedGen C0011860, MeSH D003924, MONDO:0005148, OMIM 125853, HP:0005978.

Allele frequency attached by ClinVar (database versions not stated): gnomAD exomes 0.00056 and 0.00144; ExAC 0.00196; gnomAD 0.00586 and 0.00627; ESP Exome Variant Server 0.00677; 1000 Genomes Project 0.00699; TOPMed 0.00700; 1000 Genomes Project 30x 0.00734.
gnomAD v4.1: 1,801 of 1,614,222 alleles (0.11%); highest among the groups gnomAD compares: African/African-American, 2%; 23 homozygotes.

Submissions (6):

Labcorp Genetics (formerly Invitae), Labcorp
Classification: Benign. Last evaluated: 2026-01-08. Review status: criteria provided, single submitter. Criteria: Invitae Variant Classification Sherloc (09022015). Collection method: clinical testing. Allele origin: germline.

Fulgent Genetics
Classification: Benign for Type 2 diabetes mellitus; Inherited obesity; PPARG-related familial partial lipodystrophy; CAROTID INTIMAL MEDIAL THICKNESS 1. Last evaluated: 2022-04-30. Review status: criteria provided, single submitter. Criteria: ACMG Guidelines, 2015. Collection method: clinical testing. Allele origin: unknown.

Illumina Laboratory Services, Illumina
Classification: Likely benign for Inherited obesity. Last evaluated: 2017-04-27. Review status: criteria provided, single submitter. Criteria: ICSL Variant Classification Criteria 13 December 2019. Collection method: clinical testing. Allele origin: germline.
Comment: This variant was observed as part of a predisposition screen in an ostensibly healthy population. A literature search was performed for the gene, cDNA change, and amino acid change (where applicable). No publications were found based on this search. Allele frequency data from public databases allowed determination this variant is unlikely to cause disease. Therefore, this variant is classified as likely benign.

Illumina Laboratory Services, Illumina
Classification: Likely benign for Diabetes Mellitus, Noninsulin-Dependent, with Acanthosis Nigricans and Hypertension. Last evaluated: 2017-04-27. Review status: criteria provided, single submitter. Criteria: ICSL Variant Classification Criteria 13 December 2019. Collection method: clinical testing. Allele origin: germline.
Comment: the same text as in the submission from Illumina Laboratory Services, Illumina above.

Illumina Laboratory Services, Illumina
Classification: Likely benign for PPARG-related familial partial lipodystrophy. Last evaluated: 2017-04-27. Review status: criteria provided, single submitter. Criteria: ICSL Variant Classification Criteria 13 December 2019. Collection method: clinical testing. Allele origin: germline.
Comment: the same text as in the submission from Illumina Laboratory Services, Illumina above.

Breakthrough Genomics
Classification: Likely benign. Review status: criteria provided, single submitter. Criteria: ACMG Guidelines, 2015. Collection method: not provided. Allele origin: germline. Inheritance: Autosomal recessive inheritance. Affected: yes.

NM_138711.6(PPARG):c.1281A>G (p.Ser427=)

Gene: PPARG (peroxisome proliferator activated receptor gamma; plus strand). Cytogenetic location: 3p25.2.
Variant type: single nucleotide variant.
Coding change: c.1281A>G on transcript NM_138711.6 (MANE Select); coding-DNA position 1281, A replaced by G.
Protein change: p.Ser427=; no amino-acid change (serine 427 retained).
Molecular consequence: synonymous variant. On other transcripts: 3 prime UTR variant (5).
Genome position (GRCh38, 1-based): chr3:12,433,998, A>G. VCF-style: chr3-12433998-A-G. GRCh37 (hg19) VCF-style: chr3-12475497-A-G.
Other names: c.*83A>G (NM_001330615.4, NM_001374261.3, NM_001374262.3 and 1 more transcripts); c.1281A>G, p.Ser427= (NM_001354666.3, NM_001354667.3, NM_001374263.2 and 3 more transcripts); c.654A>G, p.Ser218= (NM_001354669.2); c.*67A>G (NM_001374266.1); c.1371A>G, p.Ser457= (NM_015869.5).
Identifiers: ClinVar variation 343049 (VCV000343049.17), dbSNP rs41516544, ClinGen allele CA2258358.
Genomic context (GRCh38, chr3:12,433,998, plus strand): 5'-TCAAGACAACCTGCTACAAGCCCTGGAGCTCCAGCTGAAGCTGAACCACCCTGAGTCCTC[A>G]CAGCTGTTTGCCAAGCTGCTCCAGAAAATGACAGACCTCAGACAGATTGTCACGGAACAC-3'
Protein context (NP_619725.3, residues 417-437): LQLKLNHPES[Ser427=]QLFAKLLQKM